The following is an entry in ClinVar:

ClinVar aggregate classification (germline): Uncertain significance (1 of 4 stars; one submission).

Submission:

CeGaT Center for Human Genetics Tuebingen
Classification: Uncertain significance. Last evaluated: 2022-03-01. Review status: criteria provided, single submitter. Criteria: CeGaT Center For Human Genetics Tuebingen Variant Classification Criteria Version 2. Collection method: clinical testing. Allele origin: germline. Affected: yes. Observed: 1 variant allele.
Comment: BRSK2: PM2

NM_001256627.2(BRSK2):c.767C>T (p.Ala256Val)

Gene: BRSK2 (BR serine/threonine kinase 2; plus strand). Cytogenetic location: 11p15.5.
Variant type: single nucleotide variant.
Coding change: c.767C>T on transcript NM_001256627.2 (MANE Select); coding-DNA position 767, C replaced by T.
Protein change: p.Ala256Val; replaces alanine 256 with valine.
Molecular consequence: missense variant. On other transcripts: non-coding transcript variant (1).
Genome position (GRCh38, 1-based): chr11:1,443,622, C>T. VCF-style: chr11-1443622-C-T. GRCh37 (hg19) VCF-style: chr11-1464852-C-T.
Other names: c.767C>T, p.Ala256Val (NM_001256629.2, NM_003957.4); c.905C>T, p.Ala302Val (NM_001256630.1); c.587C>T, p.Ala196Val (NM_001282218.2); short protein forms A196V, A256V, A302V.
Identifiers: ClinVar variation 1675442 (VCV001675442.33), dbSNP rs2133098784, ClinGen allele CA379059788.
Genomic context (GRCh38, chr11:1,443,622, plus strand): 5'-CGCACTTTATCCCGCCCGACTGCCAGAGTCTGCTACGGGGCATGATCGAGGTGGACGCCG[C>T]ACGCCGCCTCACGGTGCGTGCCCTCGGAGCGGGGCGGCCCCAGAGCGTGGCGGGGGGGCG-3'
Protein context (NP_001243556.1, residues 246-266): LLRGMIEVDA[Ala256Val]RRLTLEHIQK